The following is an entry in ClinVar:

NM_001358530.2(MOCS1):c.535C>G (p.Leu179Val)

Gene: MOCS1 (molybdenum cofactor synthesis 1; minus strand). Cytogenetic location: 6p21.2.
Variant type: single nucleotide variant.
Coding change: c.535C>G on transcript NM_001358530.2 (MANE Select); coding-DNA position 535, C replaced by G.
Protein change: p.Leu179Val; replaces leucine 179 with valine.
Molecular consequence: missense variant. On other transcripts: non-coding transcript variant (1).
Genome position (GRCh38, 1-based): chr6:39,916,116, G>C on the plus strand (C>G on the coding strand, the complement: MOCS1 is on the minus strand). VCF-style: chr6-39916116-G-C. GRCh37 (hg19) VCF-style: chr6-39883860-G-C.
Other names: c.535C>G, p.Leu179Val (NM_001075098.4, NM_001358529.2, NM_005943.6); c.274C>G, p.Leu92Val (NM_001358531.2, NM_001358533.2, NM_001358534.2); short protein forms L179V, L92V.
Identifiers: ClinVar variation 4996857 (VCV004996857.1).

ClinVar aggregate classification (germline): Uncertain significance (1 of 4 stars; one submission).

Conditions:
MOCS1-related disorder. Also called: MOCS1-related condition.

gnomAD v4.1: 3 of 1,613,802 alleles (0.00019%); highest among the groups gnomAD compares: Non-Finnish European, 0.00017%; no homozygotes.

Submission:

PreventionGenetics, part of Exact Sciences
Classification: Uncertain significance for MOCS1-related condition. Last evaluated: 2025-05-08. Review status: criteria provided, single submitter. Criteria: ACMG Guidelines, 2015. Collection method: clinical testing. Allele origin: germline.
Comment: The MOCS1 c.535C>G variant is predicted to result in the amino acid substitution p.Leu179Val. To our knowledge, this variant has not been reported in the literature. This variant is reported in 0.00089% of alleles in individuals of European (Non-Finnish) descent in gnomAD. At this time, the clinical significance of this variant is uncertain due to the absence of conclusive functional and genetic evidence.